The following is an entry in ClinVar:

NM_003000.3(SDHB):c.749C>G (p.Thr250Arg)

Gene: SDHB (succinate dehydrogenase complex iron sulfur subunit B; minus strand). Cytogenetic location: 1p36.13.
Variant type: single nucleotide variant.
Coding change: c.749C>G on transcript NM_003000.3 (MANE Select); coding-DNA position 749, C replaced by G.
Protein change: p.Thr250Arg; replaces threonine 250 with arginine.
Molecular consequence: missense variant.
Genome position (GRCh38, 1-based): chr1:17,022,624, G>C on the plus strand (C>G on the coding strand, the complement: SDHB is on the minus strand). VCF-style: chr1-17022624-G-C. GRCh37 (hg19) VCF-style: chr1-17349119-G-C.
Other names: c.695C>G, p.Thr232Arg (NM_001407361.1); short protein forms T232R, T250R.
Identifiers: ClinVar variation 2937415 (VCV002937415.3), dbSNP rs1057517537, ClinGen allele CA338270024.

ClinVar aggregate classification (germline): Uncertain significance (1 of 4 stars; one submission).

Conditions:
Pheochromocytoma. Also called: MAX-Related Hereditary Paraganglioma-Pheochromocytoma Syndrome. Identifiers: Orphanet 29072, MedGen C0031511, MONDO:0008233, OMIM 171300, HP:0002666.
Gastrointestinal stromal tumor. Also called: Gastrointestinal stromal tumor, somatic; Gastrointestinal stroma tumor. Identifiers: Orphanet 44890, MedGen C0238198, MeSH D046152, MONDO:0011719, OMIM 606764, HP:0100723.
Pheochromocytoma/paraganglioma syndrome 4. Also called: CAROTID BODY TUMORS AND MULTIPLE EXTRAADRENAL PHEOCHROMOCYTOMAS; PARAGANGLIOMA, FAMILIAL MALIGNANT; PARAGANGLIOMAS, HEREDITARY EXTRAADRENAL; PHEOCHROMOCYTOMA, FAMILIAL EXTRAADRENAL; Paragangliomas 4; SDHB-Related Hereditary Paraganglioma-Pheochromocytoma Syndrome (Paragangliomas 4). Identifiers: Orphanet 29072, MedGen C1861848, MONDO:0007273, OMIM 115310.

Submission:

Labcorp Genetics (formerly Invitae), Labcorp
Classification: Uncertain significance for Gastrointestinal stromal tumor; Pheochromocytoma/paraganglioma syndrome 4; Pheochromocytoma. Last evaluated: 2023-12-26. Review status: criteria provided, single submitter. Criteria: Invitae Variant Classification Sherloc (09022015). Collection method: clinical testing. Allele origin: germline.
Comment: This sequence change replaces threonine, which is neutral and polar, with arginine, which is basic and polar, at codon 250 of the SDHB protein (p.Thr250Arg). This variant is not present in population databases (gnomAD no frequency). This variant has not been reported in the literature in individuals affected with SDHB-related conditions. Advanced modeling of protein sequence and biophysical properties (such as structural, functional, and spatial information, amino acid conservation, physicochemical variation, residue mobility, and thermodynamic stability) performed at Invitae indicates that this missense variant is expected to disrupt SDHB protein function with a positive predictive value of 80%. In summary, the available evidence is currently insufficient to determine the role of this variant in disease. Therefore, it has been classified as a Variant of Uncertain Significance.